The following is an entry in ClinVar:

ClinVar aggregate classification (germline): Uncertain significance (1 of 4 stars; one submission).

Conditions:
Neuronal ceroid lipofuscinosis. Also called: Neuronal Ceroid Lipofuscinoses. Identifiers: Orphanet 216, Orphanet 79263, MedGen C0027877, MONDO:0016295. Disease mechanism: loss of function.

gnomAD v4.1: 1 of 1,614,088 alleles (0.000062%); highest among the groups gnomAD compares: South Asian, 0.0011%; no homozygotes.

Submission:

Labcorp Genetics (formerly Invitae), Labcorp
Classification: Uncertain significance for Neuronal ceroid lipofuscinosis. Last evaluated: 2022-06-18. Review status: criteria provided, single submitter. Criteria: Invitae Variant Classification Sherloc (09022015). Collection method: clinical testing. Allele origin: germline.
Comment: This sequence change replaces valine, which is neutral and non-polar, with methionine, which is neutral and non-polar, at codon 224 of the CTSD protein (p.Val224Met). This variant is not present in population databases (gnomAD no frequency). This variant has not been reported in the literature in individuals affected with CTSD-related conditions. Algorithms developed to predict the effect of missense changes on protein structure and function are either unavailable or do not agree on the potential impact of this missense change (SIFT: "Deleterious"; PolyPhen-2: "Possibly Damaging"; Align-GVGD: "Class C0"). In summary, the available evidence is currently insufficient to determine the role of this variant in disease. Therefore, it has been classified as a Variant of Uncertain Significance.

NM_001909.5(CTSD):c.670G>A (p.Val224Met)

Gene: CTSD (cathepsin D; minus strand). Cytogenetic location: 11p15.5.
Variant type: single nucleotide variant.
Coding change: c.670G>A on transcript NM_001909.5 (MANE Select); coding-DNA position 670, G replaced by A.
Protein change: p.Val224Met; replaces valine 224 with methionine.
Molecular consequence: missense variant.
Genome position (GRCh38, 1-based): chr11:1,757,358, C>T on the plus strand (G>A on the coding strand, the complement: CTSD is on the minus strand). VCF-style: chr11-1757358-C-T. GRCh37 (hg19) VCF-style: chr11-1778588-C-T.
Other names: short protein forms V224M.
Identifiers: ClinVar variation 2008006 (VCV002008006.1), dbSNP rs2493823459, ClinGen allele CA379095892.
Genomic context (GRCh38, chr11:1,757,358, plus strand): 5'-GAGCGAGAGGGAACCCACACGCCCACCTGCTCAGGTAGAAGGAGAAGATGTTCTGGTCCA[C>T]CAGCTTCTGCTGCATCAGGTTGTCGAAGACGGGCAGCACGTTGTTGACGGAGATGCGGGG-3'
Protein context (NP_001900.1, residues 214-234): VFDNLMQQKL[Val224Met]DQNIFSFYLS